The following is an entry in ClinVar:

ClinVar aggregate classification (germline): Uncertain significance. Review status: criteria provided, multiple submitters, no conflicts (2 of 4 stars). 7 submissions from 7 submitters: Uncertain significance (5). 2 of the submissions do not count toward it. Last evaluated 2025-06-04.

Conditions:
Joubert syndrome. Also called: Familial aplasia of the vermis; JOUBERT-BOLTSHAUSER SYNDROME. Identifiers: Orphanet 475, MedGen C5979921, MONDO:0018772.
RPGRIP1L-related disorder. Also called: RPGRIP1L-related disorders; RPGRIP1L-related condition. Identifiers: MedGen CN239416.
Meckel-Gruber syndrome. Also called: Dysencephalia splachnocystica; DYSENCEPHALIA SPLANCHNOCYSTICA; GRUBER SYNDROME. Identifiers: Orphanet 564, MedGen C0265215, MONDO:0018921.

Allele frequency attached by ClinVar (database versions not stated): ExAC 0.00002; gnomAD exomes 0.00003 and 0.00006; gnomAD 0.00005 and 0.00006; TOPMed 0.00005.
gnomAD v4.1: 96 of 1,613,964 alleles (0.0059%); highest among the groups gnomAD compares: Non-Finnish European, 0.0081%; no homozygotes.

Submissions (7):

Mayo Clinic Laboratories, Mayo Clinic
Classification: Uncertain significance. Last evaluated: 2025-06-04. Review status: criteria provided, single submitter. Criteria: ACMG Guidelines, 2015. Collection method: clinical testing. Allele origin: germline. Observed: 1 variant allele.
Comment: PM2_supporting

GeneDx
Classification: Uncertain significance. Last evaluated: 2024-01-07. Review status: criteria provided, single submitter. Criteria: GeneDx Variant Classification Process June 2021. Collection method: clinical testing. Allele origin: germline. Affected: yes.
Comment: Not observed at significant frequency in large population cohorts (gnomAD); In silico analysis supports that this missense variant has a deleterious effect on protein structure/function; Has not been previously published as pathogenic or benign to our knowledge

Blueprint Genetics
Classification: Uncertain significance. Last evaluated: 2023-10-20. Review status: criteria provided, single submitter. Criteria: ACMG Guidelines, 2015. Collection method: clinical testing. Allele origin: germline.

Labcorp Genetics (formerly Invitae), Labcorp
Classification: Uncertain significance for Joubert syndrome; Meckel-Gruber syndrome. Last evaluated: 2022-06-01. Review status: criteria provided, single submitter. Criteria: Invitae Variant Classification Sherloc (09022015). Collection method: clinical testing. Allele origin: germline.
Comment: This sequence change replaces proline, which is neutral and non-polar, with alanine, which is neutral and non-polar, at codon 1182 of the RPGRIP1L protein (p.Pro1182Ala). This variant is present in population databases (rs61742648, gnomAD 0.006%). This variant has not been reported in the literature in individuals affected with RPGRIP1L-related conditions. ClinVar contains an entry for this variant (Variation ID: 286687). Algorithms developed to predict the effect of missense changes on protein structure and function (SIFT, PolyPhen-2, Align-GVGD) all suggest that this variant is likely to be tolerated. In summary, the available evidence is currently insufficient to determine the role of this variant in disease. Therefore, it has been classified as a Variant of Uncertain Significance.

Eurofins Ntd Llc (ga)
Classification: Uncertain significance. Last evaluated: 2016-03-24. Review status: criteria provided, single submitter. Criteria: EGL Classification Definitions 2015. Collection method: clinical testing. Allele origin: germline. Observed: 1 variant allele, 1 heterozygote.

PreventionGenetics, part of Exact Sciences
Classification: Uncertain significance for RPGRIP1L-related condition. Last evaluated: 2024-05-22. Review status: no assertion criteria provided. Collection method: clinical testing. Allele origin: germline. Not counted in ClinVar's aggregate classification.
Comment: The RPGRIP1L c.3544C>G variant is predicted to result in the amino acid substitution p.Pro1182Ala. To our knowledge, this variant has not been reported in the literature. This variant is reported in 0.0070% of alleles in individuals of European (Non-Finnish) descent in gnomAD. At this time, the clinical significance of this variant is uncertain due to the absence of conclusive functional and genetic evidence.

Natera, Inc.
Classification: Uncertain significance for Joubert syndrome. Last evaluated: 2020-12-21. Review status: no assertion criteria provided. Collection method: clinical testing. Allele origin: germline. Not counted in ClinVar's aggregate classification.

NM_015272.5(RPGRIP1L):c.3544C>G (p.Pro1182Ala)

Gene: RPGRIP1L (RPGRIP1 like; minus strand). Cytogenetic location: 16q12.2.
Variant type: single nucleotide variant.
Coding change: c.3544C>G on transcript NM_015272.5 (MANE Select); coding-DNA position 3544, C replaced by G.
Protein change: p.Pro1182Ala; replaces proline 1182 with alanine.
Molecular consequence: missense variant.
Genome position (GRCh38, 1-based): chr16:53,619,097, G>C on the plus strand (C>G on the coding strand, the complement: RPGRIP1L is on the minus strand). VCF-style: chr16-53619097-G-C. GRCh37 (hg19) VCF-style: chr16-53653009-G-C.
Other names: p.Pro1182Ala; c.3544C>G (NM_015272.4, NM_015272.2); c.3304C>G, p.Pro1102Ala (NM_001127897.4); c.3406C>G, p.Pro1136Ala (NM_001308334.3); c.3442C>G, p.Pro1148Ala (NM_001330538.2); short protein forms P1102A, P1182A, P1148A, P1136A.
Identifiers: ClinVar variation 286687 (VCV000286687.11), dbSNP rs61742648, ClinGen allele CA8057261.